The following is an entry in ClinVar:

ClinVar aggregate classification (germline): Uncertain significance (1 of 4 stars; one submission).

Allele frequency attached by ClinVar (database versions not stated): ExAC 0.00002; TOPMed 0.00002; gnomAD 0.00003; ESP Exome Variant Server 0.00008.
gnomAD v4.1: 5 of 1,613,760 alleles (0.00031%); highest among the groups gnomAD compares: African/African-American, 0.004%; no homozygotes.

Submission:

Labcorp Genetics (formerly Invitae), Labcorp
Classification: Uncertain significance. Last evaluated: 2022-06-14. Review status: criteria provided, single submitter. Criteria: Invitae Variant Classification Sherloc (09022015). Collection method: clinical testing. Allele origin: germline.
Comment: In summary, the available evidence is currently insufficient to determine the role of this variant in disease. Therefore, it has been classified as a Variant of Uncertain Significance. Algorithms developed to predict the effect of sequence changes on RNA splicing suggest that this variant may create or strengthen a splice site. Algorithms developed to predict the effect of missense changes on protein structure and function output the following: SIFT: "Tolerated"; PolyPhen-2: "Benign"; Align-GVGD: "Class C0". The valine amino acid residue is found in multiple mammalian species, which suggests that this missense change does not adversely affect protein function. This variant has not been reported in the literature in individuals affected with ASCC1-related conditions. This variant is present in population databases (rs148474145, gnomAD 0.01%). This sequence change replaces isoleucine, which is neutral and non-polar, with valine, which is neutral and non-polar, at codon 9 of the ASCC1 protein (p.Ile9Val).

NM_001198800.3(ASCC1):c.25A>G (p.Ile9Val)

Gene: ASCC1 (activating signal cointegrator 1 complex subunit 1; minus strand). Cytogenetic location: 10q22.1.
Variant type: single nucleotide variant.
Coding change: c.25A>G on transcript NM_001198800.3 (MANE Select); coding-DNA position 25, A replaced by G.
Protein change: p.Ile9Val; replaces isoleucine 9 with valine.
Molecular consequence: missense variant. On other transcripts: 5 prime UTR variant (5), non-coding transcript variant (1).
Genome position (GRCh38, 1-based): chr10:72,213,274, T>C on the plus strand (A>G on the coding strand, the complement: ASCC1 is on the minus strand). VCF-style: chr10-72213274-T-C. GRCh37 (hg19) VCF-style: chr10-73973032-T-C.
Other names: c.25A>G, p.Ile9Val (NM_001198798.2, NM_001198799.3, NM_001369087.1 and 19 more transcripts); c.91A>G, p.Ile31Val (NM_001369085.1, NM_001369086.1, NM_001369099.1); c.-191A>G (NM_001369101.1, NM_001369102.1, NM_001369105.1 and 2 more transcripts); short protein forms I31V, I9V.
Identifiers: ClinVar variation 2065304 (VCV002065304.2), dbSNP rs148474145, ClinGen allele CA5549180.